The following is an entry in ClinVar:

ClinVar aggregate classification (germline): Likely benign. Review status: criteria provided, multiple submitters, no conflicts (2 of 4 stars). 2 submissions from 2 submitters: Likely benign (2). Last evaluated 2023-08-28.

Conditions:
Malignant hyperthermia, susceptibility to, 1 (MHS1). Also called: Anesthesia related hyperthermia; Malignant hyperpyrexia; Fulminating hyperpyrexia; Pharmacogenic myopathy; RYR1-Related Malignant Hyperthermia Susceptibility; Malignant hyperthermia suceptibility 1. Identifiers: Orphanet 423, MedGen C2930980, MONDO:0007783, OMIM 145600.

Allele frequency attached by ClinVar (database versions not stated): gnomAD exomes below 0.00001.
gnomAD v4.1: 3 of 1,613,600 alleles (0.00019%); highest among the groups gnomAD compares: Non-Finnish European, 0.00025%; no homozygotes.

Submissions (2):

All of Us Research Program, National Institutes of Health
Classification: Likely benign for Malignant hyperthermia, susceptibility to, 1. Last evaluated: 2023-08-28. Review status: criteria provided, single submitter. Criteria: ACMG Guidelines, 2015. Collection method: clinical testing. Allele origin: germline. Inheritance: Autosomal dominant inheritance. Observed: 1 variant allele, 1 heterozygote.
Comment: This study involves interpretation of variants in research participants for the purpose of population health screening. Participant phenotype was not available at the time of variant classification. Additional details can be found in publication PMID: 35346344, PMCID: PMC8962531

Color Diagnostics, LLC DBA Color Health
Classification: Likely benign for Malignant hyperthermia, susceptibility to, 1. Last evaluated: 2022-11-06. Review status: criteria provided, single submitter. Criteria: ACMG Guidelines, 2015. Collection method: clinical testing. Allele origin: germline.

NM_000540.3(RYR1):c.2964A>G (p.Ala988=)

Gene: RYR1 (ryanodine receptor 1; plus strand). Cytogenetic location: 19q13.2.
Variant type: single nucleotide variant.
Coding change: c.2964A>G on transcript NM_000540.3 (MANE Select); coding-DNA position 2964, A replaced by G.
Protein change: p.Ala988=; no amino-acid change (alanine 988 retained).
Molecular consequence: synonymous variant.
Genome position (GRCh38, 1-based): chr19:38,466,184, A>G. VCF-style: chr19-38466184-A-G. GRCh37 (hg19) VCF-style: chr19-38956824-A-G.
Other names: c.2964A>G, p.Ala988= (NM_001042723.2).
Identifiers: ClinVar variation 3073243 (VCV003073243.2), dbSNP rs927947966, ClinGen allele CA308075931.